The following is an entry in ClinVar:

ClinVar aggregate classification (germline): Uncertain significance (1 of 4 stars; one submission).

Submission:

GeneDx
Classification: Uncertain significance. Last evaluated: 2023-12-21. Review status: criteria provided, single submitter. Criteria: GeneDx Variant Classification Process June 2021. Collection method: clinical testing. Allele origin: germline. Affected: yes.
Comment: Not observed at significant frequency in large population cohorts (gnomAD); Frameshift variant predicted to result in abnormal protein length as the last 130 amino acids are replaced with 36 different amino acids; Has not been previously published as pathogenic or benign to our knowledge

NM_001297595.2(SIN3B):c.3001del (p.Ala1001fs)

Gene: SIN3B (SIN3 transcription regulator family member B; plus strand). Cytogenetic location: 19p13.11.
Variant type: Deletion.
Coding change: c.3001del on transcript NM_001297595.2 (MANE Select); coding-DNA position 3001, one base deleted (G; older notation c.3001delG).
Protein change: p.Ala1001fs; shifts the reading frame from alanine 1001.
Molecular consequence: frameshift variant.
Genome position (GRCh38, 1-based): chr19:16,878,229, G deleted; the last of 3 consecutive G bases (chr19:16,878,227-16,878,229); deleting any one gives the same sequence. VCF-style (leftmost placement, unchanged base first): chr19-16878226-CG-C. GRCh37 (hg19) VCF-style: chr19-16989037-CG-C.
Other names: c.1771del, p.Ala591fs (NM_001297597.2); c.3097del, p.Ala1033fs (NM_015260.4); short protein forms A1001fs, A1033fs, A591fs.
Identifiers: ClinVar variation 3365848 (VCV003365848.1).